The following is an entry in ClinVar:

NM_032043.3(BRIP1):c.1100G>A (p.Cys367Tyr)

Gene: BRIP1 (BRCA1 interacting DNA helicase 1; minus strand). Cytogenetic location: 17q23.2.
Variant type: single nucleotide variant.
Coding change: c.1100G>A on transcript NM_032043.3 (MANE Select); coding-DNA position 1100, G replaced by A.
Protein change: p.Cys367Tyr; replaces cysteine 367 with tyrosine.
Molecular consequence: missense variant.
Genome position (GRCh38, 1-based): chr17:61,801,293, C>T on the plus strand (G>A on the coding strand, the complement: BRIP1 is on the minus strand). VCF-style: chr17-61801293-C-T. GRCh37 (hg19) VCF-style: chr17-59878654-C-T.
Other names: short protein forms C367Y.
Identifiers: ClinVar variation 920923 (VCV000920923.4), dbSNP rs1567831581, ClinGen allele CA400483932.

ClinVar aggregate classification (germline): Uncertain significance (1 of 4 stars; one submission).

Conditions:
Hereditary cancer-predisposing syndrome. Also called: Neoplastic Syndromes, Hereditary; Tumor predisposition; Hereditary Cancer Syndrome; Hereditary neoplastic syndrome. Identifiers: Orphanet 140162, MedGen C0027672, MeSH D009386, MONDO:0015356.

Allele frequency attached by ClinVar (database versions not stated): gnomAD exomes below 0.00001.
gnomAD v4.1: 1 of 1,614,020 alleles (0.000062%); no homozygotes.

Submission:

Color Diagnostics, LLC DBA Color Health
Classification: Uncertain significance for Hereditary cancer-predisposing syndrome. Last evaluated: 2024-03-07. Review status: criteria provided, single submitter. Criteria: ACMG Guidelines, 2015. Collection method: clinical testing. Allele origin: germline.
Comment: This missense variant replaces cysteine with tyrosine at codon 367 of the BRIP1 protein. Computational prediction is inconclusive regarding the impact of this variant on protein structure and function (internally defined REVEL score threshold 0.5 < inconclusive < 0.7, PMID: 27666373). Splice site prediction tools suggest that this variant may not impact RNA splicing. To our knowledge, functional studies have not been performed for this variant. This variant has not been reported in individuals affected with hereditary cancer in the literature. This variant has not been identified in the general population by the Genome Aggregation Database (gnomAD). The available evidence is insufficient to determine the role of this variant in disease conclusively. Therefore, this variant is classified as a Variant of Uncertain Significance.